The following is an entry in ClinVar:

NM_001375567.1(FOCAD):c.743A>G (p.Glu248Gly)

Gene: FOCAD (focadhesin; plus strand). Cytogenetic location: 9p21.3.
Variant type: single nucleotide variant.
Coding change: c.743A>G on transcript NM_001375567.1 (MANE Select); coding-DNA position 743, A replaced by G.
Protein change: p.Glu248Gly; replaces glutamic acid 248 with glycine.
Molecular consequence: missense variant.
Genome position (GRCh38, 1-based): chr9:20,770,075, A>G. VCF-style: chr9-20770075-A-G. GRCh37 (hg19) VCF-style: chr9-20770074-A-G.
Other names: c.743A>G, p.Glu248Gly (NM_001375568.1, NM_017794.5); c.638A>G, p.Glu213Gly (NM_001375570.1); short protein forms E248G, E213G.
Identifiers: ClinVar variation 4740885 (VCV004740885.1).

ClinVar aggregate classification (germline): Uncertain significance (1 of 4 stars; one submission).

Submission:

Labcorp Genetics (formerly Invitae), Labcorp
Classification: Uncertain significance. Last evaluated: 2025-09-19. Review status: criteria provided, single submitter. Criteria: Invitae Variant Classification Sherloc (09022015). Collection method: clinical testing. Allele origin: germline.
Comment: This sequence change replaces glutamic acid, which is acidic and polar, with glycine, which is neutral and non-polar, at codon 248 of the FOCAD protein (p.Glu248Gly). This variant is not present in population databases (gnomAD no frequency). This variant has not been reported in the literature in individuals affected with FOCAD-related conditions. Experimental studies and prediction algorithms are not available or were not evaluated, and the functional significance of this variant is currently unknown. In summary, the available evidence is currently insufficient to determine the role of this variant in disease. Therefore, it has been classified as a Variant of Uncertain Significance.